The following is an entry in ClinVar:

ClinVar aggregate classification (germline): Benign. Review status: criteria provided, multiple submitters, no conflicts (2 of 4 stars). 3 submissions from 3 submitters: Benign (3). Last evaluated 2018-08-30.

Allele frequency attached by ClinVar (database versions not stated): gnomAD exomes 0.00376 and 0.00966; ExAC 0.01173; gnomAD 0.03638 and 0.03876; ESP Exome Variant Server 0.04016; 1000 Genomes Project 0.04073; TOPMed 0.04149; 1000 Genomes Project 30x 0.04169.
gnomAD v4.1: 11,255 of 1,610,424 alleles (0.7%); highest among the groups gnomAD compares: African/African-American, 13%; 626 homozygotes.

Submissions (3):

Athena Diagnostics
Classification: Benign. Last evaluated: 2018-08-30. Review status: criteria provided, single submitter. Criteria: Athena Diagnostics Criteria. Collection method: clinical testing. Allele origin: germline.

GeneDx
Classification: Benign. Last evaluated: 2017-10-10. Review status: criteria provided, single submitter. Criteria: GeneDx Variant Classification (06012015). Collection method: clinical testing. Allele origin: germline. Affected: yes.
Comment: This variant is considered likely benign or benign based on one or more of the following criteria: it is a conservative change, it occurs at a poorly conserved position in the protein, it is predicted to be benign by multiple in silico algorithms, and/or has population frequency not consistent with disease.

Breakthrough Genomics
Classification: Benign. Review status: criteria provided, single submitter. Criteria: ACMG Guidelines, 2015. Collection method: not provided. Allele origin: germline. Inheritance: Autosomal recessive inheritance. Affected: yes.

NM_018429.3(BDP1):c.6962A>G (p.Lys2321Arg)

Gene: BDP1 (BDP1 general transcription factor IIIB subunit; plus strand). Cytogenetic location: 5q13.2.
Variant type: single nucleotide variant.
Coding change: c.6962A>G on transcript NM_018429.3 (MANE Select); coding-DNA position 6962, A replaced by G.
Protein change: p.Lys2321Arg; replaces lysine 2321 with arginine.
Molecular consequence: missense variant.
Genome position (GRCh38, 1-based): chr5:71,549,573, A>G. VCF-style: chr5-71549573-A-G. GRCh37 (hg19) VCF-style: chr5-70845400-A-G.
Other names: short protein forms K2321R.
Identifiers: ClinVar variation 508614 (VCV000508614.3), dbSNP rs59354595, ClinGen allele CA3297375.